The following is an entry in ClinVar:

ClinVar aggregate classification (germline): Likely benign. Review status: criteria provided, multiple submitters, no conflicts (2 of 4 stars). 4 submissions from 4 submitters: Likely benign (3). 1 of the submissions does not count toward it. Last evaluated 2026-01-21.

Conditions:
ABCC6-related disorder. Also called: ABCC6-related condition.
Arterial calcification, generalized, of infancy, 2. Identifiers: Orphanet 51608, MedGen C3276161, MONDO:0013768, OMIM 614473.
Autosomal recessive inherited pseudoxanthoma elasticum (PXE). Identifiers: Orphanet 758, MedGen CN032334, MONDO:0009925, OMIM 264800.
Pseudoxanthoma elasticum, forme fruste. Also called: PSEUDOXANTHOMA ELASTICUM, HETEROZYGOUS; Pseudoxanthoma Elasticum, Incomplete. Identifiers: Orphanet 758, MedGen C1867450, MONDO:0008333, OMIM 177850.

Allele frequency attached by ClinVar (database versions not stated): ESP Exome Variant Server 0.00069; 1000 Genomes Project 30x 0.00094; 1000 Genomes Project 0.00100.
gnomAD v4.1: 192 of 1,614,156 alleles (0.012%); highest among the groups gnomAD compares: African/African-American, 0.23%; no homozygotes.

Submissions (4):

Labcorp Genetics (formerly Invitae), Labcorp
Classification: Likely benign. Last evaluated: 2026-01-21. Review status: criteria provided, single submitter. Criteria: Invitae Variant Classification Sherloc (09022015). Collection method: clinical testing. Allele origin: germline.

Blueprint Genetics
Classification: Likely benign. Last evaluated: 2024-11-26. Review status: criteria provided, single submitter. Criteria: ACMG Guidelines, 2015. Collection method: clinical testing. Allele origin: germline.

Fulgent Genetics
Classification: Likely benign for Pseudoxanthoma elasticum, forme fruste; Autosomal recessive inherited pseudoxanthoma elasticum; Arterial calcification, generalized, of infancy, 2. Last evaluated: 2021-10-20. Review status: criteria provided, single submitter. Criteria: ACMG Guidelines, 2015. Collection method: clinical testing. Allele origin: unknown.

PreventionGenetics, part of Exact Sciences
Classification: Likely benign for ABCC6-related condition. Last evaluated: 2019-06-19. Review status: no assertion criteria provided. Collection method: clinical testing. Allele origin: germline. Not counted in ClinVar's aggregate classification.
Comment: This variant is classified as likely benign based on ACMG/AMP sequence variant interpretation guidelines (Richards et al. 2015 PMID: 25741868, with internal and published modifications).

NM_001171.6(ABCC6):c.1368C>T (p.Ile456=)

Gene: ABCC6 (ATP binding cassette subfamily C member 6; minus strand). Cytogenetic location: 16p13.11.
Variant type: single nucleotide variant.
Coding change: c.1368C>T on transcript NM_001171.6 (MANE Select); coding-DNA position 1368, C replaced by T.
Protein change: p.Ile456=; no amino-acid change (isoleucine 456 retained).
Molecular consequence: synonymous variant. On other transcripts: non-coding transcript variant (1).
Genome position (GRCh38, 1-based): chr16:16,192,893, G>A on the plus strand (C>T on the coding strand, the complement: ABCC6 is on the minus strand). VCF-style: chr16-16192893-G-A. GRCh37 (hg19) VCF-style: chr16-16286750-G-A.
Other names: c.1026C>T, p.Ile342= (NM_001351800.1); c.1368C>T (NM_001171.5).
Identifiers: ClinVar variation 1137662 (VCV001137662.11), dbSNP rs141309818, ClinGen allele CA7926326.